The following is an entry in ClinVar:

ClinVar aggregate classification (germline): Uncertain significance. Review status: criteria provided, multiple submitters, no conflicts (2 of 4 stars). 3 submissions from 3 submitters: Uncertain significance (3). Last evaluated 2025-07-08.

Conditions:
Wilson disease (WND). Also called: Wilson's disease. Identifiers: Orphanet 905, MedGen C0019202, MONDO:0010200, OMIM 277900. Disease mechanism: loss of function.

Allele frequency attached by ClinVar (database versions not stated): TOPMed below 0.00001.

Submissions (3):

Color Diagnostics, LLC DBA Color Health
Classification: Uncertain significance for Wilson disease. Last evaluated: 2025-07-08. Review status: criteria provided, single submitter. Criteria: ACMG Guidelines, 2015. Collection method: clinical testing. Allele origin: germline.
Comment: This missense variant replaces tyrosine with cysteine at codon 559 of the ATP7B protein. Computational prediction suggests that this variant may not impact protein structure and function. To our knowledge, functional studies have not been reported for this variant. This variant has not been reported in individuals affected with ATP7B-related disorders in the literature. This variant has not been identified in the general population by the Genome Aggregation Database (gnomAD). The available evidence is insufficient to determine the role of this variant in disease conclusively. Therefore, this variant is classified as a Variant of Uncertain Significance.

ARUP Laboratories, Molecular Genetics and Genomics, ARUP Laboratories
Classification: Uncertain significance for Wilson disease. Last evaluated: 2023-06-29. Review status: criteria provided, single submitter. Criteria: ARUP Molecular Germline Variant Investigation Process 2024. Collection method: clinical testing. Allele origin: germline.
Comment: The ATP7B c.1676A>G; p.Tyr559Cys variant (rs1266694873), to our knowledge, is not reported in the medical literature but is reported in ClinVar (Variation ID: 1702805). This variant is absent from the Genome Aggregation Database, indicating it is not a common polymorphism. Computational analyses are uncertain whether this variant is neutral or deleterious (REVEL: 0.227). Due to limited information, the clinical significance of this variant is uncertain at this time.

GeneDx
Classification: Uncertain significance. Last evaluated: 2022-02-06. Review status: criteria provided, single submitter. Criteria: GeneDx Variant Classification Process June 2021. Collection method: clinical testing. Allele origin: germline. Affected: yes.
Comment: In silico analysis supports that this missense variant has a deleterious effect on protein structure/function; Has not been previously published as pathogenic or benign to our knowledge

NM_000053.4(ATP7B):c.1676A>G (p.Tyr559Cys)

Gene: ATP7B (ATPase copper transporting beta; minus strand). Cytogenetic location: 13q14.3.
Variant type: single nucleotide variant.
Coding change: c.1676A>G on transcript NM_000053.4 (MANE Select); coding-DNA position 1676, A replaced by G.
Protein change: p.Tyr559Cys; replaces tyrosine 559 with cysteine.
Molecular consequence: missense variant.
Genome position (GRCh38, 1-based): chr13:51,968,475, T>C on the plus strand (A>G on the coding strand, the complement: ATP7B is on the minus strand). VCF-style: chr13-51968475-T-C. GRCh37 (hg19) VCF-style: chr13-52542611-T-C.
Other names: c.1676A>G, p.Tyr559Cys (NM_001005918.3, NM_001330578.2, NM_001330579.2); c.1343A>G, p.Tyr448Cys (NM_001243182.2); short protein forms Y448C, Y559C.
Identifiers: ClinVar variation 1702805 (VCV001702805.4), dbSNP rs1266694873, ClinGen allele CA388032739.